The following is an entry in ClinVar:

ClinVar aggregate classification (germline): Benign/Likely benign. Review status: criteria provided, multiple submitters, no conflicts (2 of 4 stars). 6 submissions from 6 submitters: Benign (2); Likely benign (3). 1 of the submissions does not count toward it. Last evaluated 2026-02-04.

Conditions:
GALC-related disorder. Also called: GALC-related condition.
Galactosylceramide beta-galactosidase deficiency. Also called: Leukodystrophy, Globoid Cell; Krabbe Disease; GALACTOCEREBROSIDASE DEFICIENCY; GALC DEFICIENCY; GLOBOID CELL LEUKOENCEPHALOPATHY. Identifiers: Orphanet 487, MedGen C0023521, MONDO:0009499, OMIM 245200.

Allele frequency attached by ClinVar (database versions not stated): gnomAD exomes 0.00027 and 0.00075; ExAC 0.00093; 1000 Genomes Project 0.00280; 1000 Genomes Project 30x 0.00281; gnomAD 0.00296 and 0.00321; TOPMed 0.00348; ESP Exome Variant Server 0.00391.
gnomAD v4.1: 869 of 1,598,008 alleles (0.054%); highest among the groups gnomAD compares: African/African-American, 1.1%; 1 homozygote.

Submissions (6):

Labcorp Genetics (formerly Invitae), Labcorp
Classification: Benign for Galactosylceramide beta-galactosidase deficiency. Last evaluated: 2026-02-04. Review status: criteria provided, single submitter. Criteria: Invitae Variant Classification Sherloc (09022015). Collection method: clinical testing. Allele origin: germline.

Blueprint Genetics
Classification: Likely benign. Last evaluated: 2024-05-03. Review status: criteria provided, single submitter. Criteria: ACMG Guidelines, 2015. Collection method: clinical testing. Allele origin: germline.

GeneDx
Classification: Likely benign. Last evaluated: 2021-05-17. Review status: criteria provided, single submitter. Criteria: GeneDx Variant Classification Process June 2021. Collection method: clinical testing. Allele origin: germline. Affected: yes.

Mayo Clinic Laboratories, Mayo Clinic
Classification: Benign. Last evaluated: 2016-03-08. Review status: criteria provided, single submitter. Criteria: ACMG Guidelines, 2015. Collection method: clinical testing. Allele origin: germline. Observed: 2 variant alleles.

Breakthrough Genomics
Classification: Likely benign. Review status: criteria provided, single submitter. Criteria: ACMG Guidelines, 2015. Collection method: not provided. Allele origin: germline. Inheritance: Autosomal recessive inheritance. Affected: yes.

PreventionGenetics, part of Exact Sciences
Classification: Benign for GALC-related condition. Last evaluated: 2019-04-12. Review status: no assertion criteria provided. Collection method: clinical testing. Allele origin: germline. Not counted in ClinVar's aggregate classification.
Comment: This variant is classified as benign based on ACMG/AMP sequence variant interpretation guidelines (Richards et al. 2015 PMID: 25741868, with internal and published modifications).

NM_000153.4(GALC):c.1236T>A (p.Val412=)

Gene: GALC (galactosylceramidase; minus strand). Cytogenetic location: 14q31.3.
Variant type: single nucleotide variant.
Coding change: c.1236T>A on transcript NM_000153.4 (MANE Select); coding-DNA position 1236, T replaced by A.
Protein change: p.Val412=; no amino-acid change (valine 412 retained).
Molecular consequence: synonymous variant.
Genome position (GRCh38, 1-based): chr14:87,950,674, A>T on the plus strand (T>A on the coding strand, the complement: GALC is on the minus strand). VCF-style: chr14-87950674-A-T. GRCh37 (hg19) VCF-style: chr14-88417018-A-T.
Other names: p.Val412=; c.1167T>A, p.Val389= (NM_001201401.2); c.1158T>A, p.Val386= (NM_001201402.2).
Identifiers: ClinVar variation 456713 (VCV000456713.18), dbSNP rs112531377, ClinGen allele CA7297093.